The following is an entry in ClinVar:

ClinVar aggregate classification (germline): Uncertain significance (1 of 4 stars; one submission).

Conditions:
Fanconi anemia complementation group O. Also called: RAD51C-Related Fanconi Anemia. Identifiers: Orphanet 84, MedGen C3150653, MONDO:0013248, OMIM 613390.

Allele frequency attached by ClinVar (database versions not stated): gnomAD exomes below 0.00001; TOPMed below 0.00001.

Submission:

Labcorp Genetics (formerly Invitae), Labcorp
Classification: Uncertain significance for Fanconi anemia complementation group O. Last evaluated: 2017-09-18. Review status: criteria provided, single submitter. Criteria: Invitae Variant Classification Sherloc (09022015). Collection method: clinical testing. Allele origin: germline.
Comment: In summary, the available evidence is currently insufficient to determine the role of this variant in disease. Therefore, it has been classified as a Variant of Uncertain Significance. Algorithms developed to predict the effect of missense changes on protein structure and function (SIFT, PolyPhen-2, Align-GVGD) all suggest that this variant is likely to be tolerated, but these predictions have not been confirmed by published functional studies and their clinical significance is uncertain. This variant has not been reported in the literature in individuals with RAD51C-related disease. This variant is not present in population databases (ExAC no frequency). This sequence change replaces valine with leucine at codon 239 of the RAD51C protein (p.Val239Leu). The valine residue is highly conserved and there is a small physicochemical difference between valine and leucine.

NM_058216.3(RAD51C):c.715G>C (p.Val239Leu)

Gene: RAD51C (RAD51 paralog C; plus strand). Cytogenetic location: 17q22.
Variant type: single nucleotide variant.
Coding change: c.715G>C on transcript NM_058216.3 (MANE Select); coding-DNA position 715, G replaced by C.
Protein change: p.Val239Leu; replaces valine 239 with leucine.
Molecular consequence: missense variant. On other transcripts: non-coding transcript variant (1).
Genome position (GRCh38, 1-based): chr17:58,709,868, G>C. VCF-style: chr17-58709868-G-C. GRCh37 (hg19) VCF-style: chr17-56787229-G-C.
Other names: short protein forms V239L.
Identifiers: ClinVar variation 538769 (VCV000538769.8), dbSNP rs1064795326, ClinGen allele CA400353144.